The following is an entry in ClinVar:

NM_001364905.1(LRBA):c.2149C>T (p.Gln717Ter)

Gene: LRBA (LPS responsive beige-like anchor protein; minus strand). Cytogenetic location: 4q31.3.
Variant type: single nucleotide variant.
Coding change: c.2149C>T on transcript NM_001364905.1 (MANE Select); coding-DNA position 2149, C replaced by T.
Protein change: p.Gln717Ter; replaces glutamine 717 with a stop codon.
Molecular consequence: nonsense.
Genome position (GRCh38, 1-based): chr4:150,893,068, G>A on the plus strand (C>T on the coding strand, the complement: LRBA is on the minus strand). VCF-style: chr4-150893068-G-A. GRCh37 (hg19) VCF-style: chr4-151814220-G-A.
Other names: c.2149C>T, p.Gln717Ter (NM_001199282.3, NM_001367550.1, NM_006726.5); short protein forms Q717*.
Identifiers: ClinVar variation 2637021 (VCV002637021.1), dbSNP rs1425262198, ClinGen allele CA358428839.

ClinVar aggregate classification (germline): Likely pathogenic (1 of 4 stars; one submission).

Conditions:
LRBA-related disorder. Also called: LRBA-related condition.

Submission:

PreventionGenetics, part of Exact Sciences
Classification: Likely pathogenic for LRBA-related condition. Last evaluated: 2022-10-17. Review status: criteria provided, single submitter. Criteria: ACMG Guidelines, 2015. Collection method: clinical testing. Allele origin: germline.
Comment: The LRBA c.2149C>T variant is predicted to result in premature protein termination (p.Gln717*). To our knowledge, this variant has not been reported in the literature or in a large population database, indicating this variant is rare. Nonsense variants in LRBA are expected to be pathogenic. This variant is interpreted as likely pathogenic.